The following is an entry in ClinVar:

ClinVar aggregate classification (germline): Likely benign (1 of 4 stars; one submission).

Allele frequency attached by ClinVar (database versions not stated): gnomAD exomes below 0.00001; ExAC 0.00001.
gnomAD v4.1: 3 of 1,614,110 alleles (0.00019%); highest among the groups gnomAD compares: Non-Finnish European, 0.00025%; no homozygotes.

Submission:

CeGaT Center for Human Genetics Tuebingen
Classification: Likely benign. Last evaluated: 2024-03-01. Review status: criteria provided, single submitter. Criteria: CeGaT Center For Human Genetics Tuebingen Variant Classification Criteria Version 2. Collection method: clinical testing. Allele origin: germline. Affected: yes. Observed: 1 variant allele.
Comment: MED13: BP4, BP7

NM_005121.3(MED13):c.3453C>T (p.Arg1151=)

Gene: MED13 (mediator complex subunit 13; minus strand). Cytogenetic location: 17q23.2.
Variant type: single nucleotide variant.
Coding change: c.3453C>T on transcript NM_005121.3 (MANE Select); coding-DNA position 3453, C replaced by T.
Protein change: p.Arg1151=; no amino-acid change (arginine 1151 retained).
Molecular consequence: synonymous variant.
Genome position (GRCh38, 1-based): chr17:61,982,550, G>A on the plus strand (C>T on the coding strand, the complement: MED13 is on the minus strand). VCF-style: chr17-61982550-G-A. GRCh37 (hg19) VCF-style: chr17-60059911-G-A.
Identifiers: ClinVar variation 3067253 (VCV003067253.21), dbSNP rs777689799, ClinGen allele CA8692657.